The following is an entry in ClinVar:

NM_030665.4(RAI1):c.2904G>A (p.Ser968=)

Gene: RAI1 (retinoic acid induced 1; plus strand). Cytogenetic location: 17p11.2.
Variant type: single nucleotide variant.
Coding change: c.2904G>A on transcript NM_030665.4 (MANE Select); coding-DNA position 2904, G replaced by A.
Protein change: p.Ser968=; no amino-acid change (serine 968 retained).
Molecular consequence: synonymous variant.
Genome position (GRCh38, 1-based): chr17:17,795,852, G>A. VCF-style: chr17-17795852-G-A. GRCh37 (hg19) VCF-style: chr17-17699166-G-A.
Other names: c.2904G>A (NM_030665.3).
Identifiers: ClinVar variation 2203125 (VCV002203125.5), dbSNP rs776700802, ClinGen allele CA8418627.
Genomic context (GRCh38, chr17:17,795,852, plus strand): 5'-CATGAAGCCAGGTGAAGAGGGGCCTGATGGGGAGCGAGCTCCAGGGGATTCCACCACCTC[G>A]GACGCCTCTCTGGCCCAGAAGCCCAACAAGCCTGCTGTGCCCGAGGCGCCCATCGCAAAG-3'
Protein context (NP_109590.3, residues 958-978): GERAPGDSTT[Ser968=]DASLAQKPNK

ClinVar aggregate classification (germline): Likely benign. Review status: criteria provided, multiple submitters, no conflicts (2 of 4 stars). 2 submissions from 2 submitters: Likely benign (2). Last evaluated 2025-06-12.

Conditions:
RAI1-related disorder. Also called: RAI1-related condition.

Allele frequency attached by ClinVar (database versions not stated): gnomAD exomes 0.00002; ExAC 0.00003; gnomAD 0.00003; TOPMed 0.00006.
gnomAD v4.1: 29 of 1,613,056 alleles (0.0018%); highest among the groups gnomAD compares: East Asian, 0.016%; no homozygotes.

Submissions (2):

Labcorp Genetics (formerly Invitae), Labcorp
Classification: Likely benign. Last evaluated: 2025-06-12. Review status: criteria provided, single submitter. Criteria: Invitae Variant Classification Sherloc (09022015). Collection method: clinical testing. Allele origin: germline.

PreventionGenetics, part of Exact Sciences
Classification: Likely benign for RAI1-related condition. Last evaluated: 2025-04-14. Review status: criteria provided, single submitter. Criteria: ACMG Guidelines, 2015. Collection method: clinical testing. Allele origin: germline.
Comment: This variant is classified as likely benign based on ACMG/AMP sequence variant interpretation guidelines (Richards et al. 2015 PMID: 25741868, with internal and published modifications).